The following is an entry in ClinVar:

NM_153460.4(IL17RC):c.894G>T (p.Gln298His)

Gene: IL17RC (interleukin 17 receptor C; plus strand). Cytogenetic location: 3p25.3.
Variant type: single nucleotide variant.
Coding change: c.894G>T on transcript NM_153460.4 (MANE Select); coding-DNA position 894, G replaced by T.
Protein change: p.Gln298His; replaces glutamine 298 with histidine.
Molecular consequence: missense variant. On other transcripts: non-coding transcript variant (1).
Genome position (GRCh38, 1-based): chr3:9,928,321, G>T. VCF-style: chr3-9928321-G-T. GRCh37 (hg19) VCF-style: chr3-9970005-G-T.
Other names: c.894G>T, p.Gln298His (NM_001203263.2, NM_001203264.2); c.849G>T, p.Gln283His (NM_001203265.2, NM_001367280.1, NM_001410711.1 and 1 more transcripts); c.855G>T, p.Gln285His (NM_001367278.1); c.774G>T, p.Gln258His (NM_001367279.1); c.1107G>T, p.Gln369His (NM_153461.4); short protein forms Q283H, Q369H, Q285H, Q258H, Q298H.
Identifiers: ClinVar variation 4728399 (VCV004728399.1).

ClinVar aggregate classification (germline): Uncertain significance (1 of 4 stars; one submission).

Conditions:
Candidiasis, familial, 9 (CANDF9). Identifiers: Orphanet 1334, MedGen C4225324, MONDO:0014642, OMIM 616445.

Submission:

Labcorp Genetics (formerly Invitae), Labcorp
Classification: Uncertain significance for Candidiasis, familial, 9. Last evaluated: 2025-10-03. Review status: criteria provided, single submitter. Criteria: Invitae Variant Classification Sherloc (09022015). Collection method: clinical testing. Allele origin: germline.
Comment: This sequence change replaces glutamine, which is neutral and polar, with histidine, which is basic and polar, at codon 369 of the IL17RC protein (p.Gln369His). This variant is not present in population databases (gnomAD no frequency). This variant has not been reported in the literature in individuals affected with IL17RC-related conditions. An algorithm developed to predict the effect of missense changes on protein structure and function (PolyPhen-2) suggests that this variant is likely to be tolerated. In summary, the available evidence is currently insufficient to determine the role of this variant in disease. Therefore, it has been classified as a Variant of Uncertain Significance.